The following is an entry in ClinVar:

ClinVar aggregate classification (germline): Likely pathogenic (1 of 4 stars; one submission).

Conditions:
Floating-Harbor syndrome (FLHS). Also called: SRCAP-Related Floating-Harbor Syndrome; Short stature with delayed bone age, expressive language delay, a triangular face with a prominent nose and deep-set eyes; Pelletier-Leisti syndrome. Identifiers: Orphanet 2044, MedGen C0729582, MONDO:0007621, OMIM 136140.

Submission:

Broad Center for Mendelian Genomics, Broad Institute of MIT and Harvard
Classification: Likely pathogenic for Floating-Harbor syndrome. Last evaluated: 2023-01-25. Review status: criteria provided, single submitter. Criteria: ACMG Guidelines, 2015. Collection method: curation. Allele origin: germline. Inheritance: Autosomal dominant inheritance.
Comment: Trio exome analysis showed this variant to be de novo. The p.Pro2455LeufsTer20 variant in SRCAP has not been previously reported in individuals with Floating-Harbor syndrome. This variant was absent from large population studies. This variant is predicted to cause a frameshift, which alters the protein‚Äôs amino acid sequence beginning at position 2455 and leads to a premature termination codon 20 amino acids downstream. This termination codon occurs within the last exon and is more likely to escape nonsense mediated decay (NMD) and result in a truncated protein. Heterozygous loss of function of the SRCAP gene is an established disease mechanism in Floating-Harbor syndrome. In summary, although additional studies are required to fully establish its clinical significance, this variant is likely pathogenic for Floating-Harbor syndrome. ACMG/AMP Criteria applied: PVS1_Strong, PS2_Moderate, PM2_Supporting (Richards 2015).

NM_006662.3(SRCAP):c.7364del (p.Pro2455fs)

Gene: SRCAP (Snf2 related CREBBP activator protein; plus strand). Cytogenetic location: 16p11.2.
Variant type: Deletion.
Coding change: c.7364del on transcript NM_006662.3 (MANE Select); coding-DNA position 7364, one base deleted (C; older notation c.7364delC).
Protein change: p.Pro2455fs; shifts the reading frame from proline 2455.
Molecular consequence: frameshift variant.
Genome position (GRCh38, 1-based): chr16:30,737,404, C deleted; the last of 2 consecutive C bases (chr16:30,737,403-30,737,404); deleting either gives the same sequence. VCF-style (leftmost placement, unchanged base first): chr16-30737402-TC-T. GRCh37 (hg19) VCF-style: chr16-30748723-TC-T.
Other names: NM_006662.3:c.7364del; short protein forms P2455fs.
Identifiers: ClinVar variation 2412742 (VCV002412742.1), dbSNP rs2506727018, ClinGen allele CA2573332480.
Genomic context (GRCh38, chr16:30,737,402, plus strand): 5'-GCGAGTTCCCAGGCCAGCACCTAGGCCTCGACCCACTCCAGCTTCAGCTCCGGCTGCAAT[TC>T]CTGCCCTTGTTCCTGTCCCAGTTTCTGCCCCAGTACCCATTTCAGCCCCAAATCCAATAA-3'